The following is an entry in ClinVar:

NM_015202.5(KATNIP):c.4457G>A (p.Arg1486Gln)

Gene: KATNIP (katanin interacting protein; plus strand). Cytogenetic location: 16p12.1.
Variant type: single nucleotide variant.
Coding change: c.4457G>A on transcript NM_015202.5 (MANE Select); coding-DNA position 4457, G replaced by A.
Protein change: p.Arg1486Gln; replaces arginine 1486 with glutamine.
Molecular consequence: missense variant.
Genome position (GRCh38, 1-based): chr16:27,776,935, G>A. VCF-style: chr16-27776935-G-A. GRCh37 (hg19) VCF-style: chr16-27788256-G-A.
Other names: short protein forms R1486Q.
Identifiers: ClinVar variation 1927271 (VCV001927271.5), dbSNP rs776114613, ClinGen allele CA279746492.

ClinVar aggregate classification (germline): Uncertain significance (1 of 4 stars; one submission).

Allele frequency attached by ClinVar (database versions not stated): gnomAD exomes below 0.00001; gnomAD 0.00001; TOPMed 0.00002.
gnomAD v4.1: 8 of 1,610,574 alleles (0.0005%); highest among the groups gnomAD compares: African/African-American, 0.0027%; no homozygotes.

Submission:

Labcorp Genetics (formerly Invitae), Labcorp
Classification: Uncertain significance. Last evaluated: 2022-04-12. Review status: criteria provided, single submitter. Criteria: Invitae Variant Classification Sherloc (09022015). Collection method: clinical testing. Allele origin: germline.
Comment: Algorithms developed to predict the effect of missense changes on protein structure and function are either unavailable or do not agree on the potential impact of this missense change (SIFT: "Deleterious"; PolyPhen-2: "Probably Damaging"; Align-GVGD: "Class C0"). This sequence change replaces arginine, which is basic and polar, with glutamine, which is neutral and polar, at codon 1486 of the KIAA0556 protein (p.Arg1486Gln). This variant is present in population databases (rs776114613, gnomAD 0.0009%). This variant has not been reported in the literature in individuals affected with KIAA0556-related conditions. In summary, the available evidence is currently insufficient to determine the role of this variant in disease. Therefore, it has been classified as a Variant of Uncertain Significance.